The following is an entry in ClinVar:

ClinVar aggregate classification (germline): Pathogenic (1 of 4 stars; one submission).

Conditions:
Oculofaciocardiodental syndrome (MCOPS2). Identifiers: Orphanet 2712, MedGen C1846265, MONDO:0010261, OMIM 300166.

Submission:

Labcorp Genetics (formerly Invitae), Labcorp
Classification: Pathogenic for Oculofaciocardiodental syndrome. Last evaluated: 2025-07-14. Review status: criteria provided, single submitter. Criteria: Invitae Variant Classification Sherloc (09022015). Collection method: clinical testing. Allele origin: germline.
Comment: This sequence change creates a premature translational stop signal (p.Val89Alafs*21) in the BCOR gene. It is expected to result in an absent or disrupted protein product. Loss-of-function variants in BCOR are known to be pathogenic (PMID: 15004558, 19367324). This variant is not present in population databases (gnomAD no frequency). This variant has not been reported in the literature in individuals affected with BCOR-related conditions. For these reasons, this variant has been classified as Pathogenic.

Literature cited by the submitters: PubMed 15004558; PubMed 19367324.

NM_001123385.2(BCOR):c.266del (p.Val89fs)

Gene: BCOR (BCL6 corepressor; minus strand). Cytogenetic location: Xp11.4.
Variant type: Deletion.
Coding change: c.266del on transcript NM_001123385.2 (MANE Select); coding-DNA position 266, one base deleted (T; older notation c.266delT).
Protein change: p.Val89fs; shifts the reading frame from valine 89.
Molecular consequence: frameshift variant.
Genome position (GRCh38, 1-based): chrX:40,075,080, A deleted on the plus strand (T on the coding strand, the reverse complement: BCOR is on the minus strand). VCF-style (leftmost placement, unchanged base first): chrX-40075079-GA-G. GRCh37 (hg19) VCF-style: chrX-39934332-GA-G.
Other names: c.266del, p.Val89fs (NM_001123383.2, NM_001123384.2, NM_001437510.1 and 4 more transcripts); short protein forms V89fs.
Identifiers: ClinVar variation 4723039 (VCV004723039.1).